The following is an entry in ClinVar:

ClinVar aggregate classification (germline): Uncertain significance (1 of 4 stars; one submission).

gnomAD v4.1: 1 of 1,614,028 alleles (0.000062%); highest among the groups gnomAD compares: South Asian, 0.0011%; no homozygotes.

Submission:

Labcorp Genetics (formerly Invitae), Labcorp
Classification: Uncertain significance. Last evaluated: 2025-07-14. Review status: criteria provided, single submitter. Criteria: Invitae Variant Classification Sherloc (09022015). Collection method: clinical testing. Allele origin: germline.
Comment: This sequence change replaces glutamic acid, which is acidic and polar, with aspartic acid, which is acidic and polar, at codon 659 of the SEMA4A protein (p.Glu659Asp). This variant is not present in population databases (gnomAD no frequency). This variant has not been reported in the literature in individuals affected with SEMA4A-related conditions. An algorithm developed to predict the effect of missense changes on protein structure and function (PolyPhen-2) suggests that this variant is likely to be tolerated. In summary, the available evidence is currently insufficient to determine the role of this variant in disease. Therefore, it has been classified as a Variant of Uncertain Significance.

NM_022367.4(SEMA4A):c.1977G>T (p.Glu659Asp)

Gene: SEMA4A (semaphorin 4A; plus strand). Cytogenetic location: 1q22.
Variant type: single nucleotide variant.
Coding change: c.1977G>T on transcript NM_022367.4 (MANE Select); coding-DNA position 1977, G replaced by T.
Protein change: p.Glu659Asp; replaces glutamic acid 659 with aspartic acid.
Molecular consequence: missense variant.
Genome position (GRCh38, 1-based): chr1:156,176,688, G>T. VCF-style: chr1-156176688-G-T. GRCh37 (hg19) VCF-style: chr1-156146479-G-T.
Other names: c.1977G>T, p.Glu659Asp (NM_001193300.2, NM_001193301.2, NM_001370567.1); c.1581G>T, p.Glu527Asp (NM_001193302.2); c.1680G>T, p.Glu560Asp (NM_001370568.1); c.1470G>T, p.Glu490Asp (NM_001370569.1, NM_001370571.1); short protein forms E527D, E659D, E560D, E490D.
Identifiers: ClinVar variation 4720196 (VCV004720196.1).